The following is an entry in ClinVar:

NM_007294.4(BRCA1):c.5193G>C (p.Glu1731Asp)

Gene: BRCA1 (BRCA1 DNA repair associated; minus strand). Cytogenetic location: 17q21.31.
Variant type: single nucleotide variant.
Coding change: c.5193G>C on transcript NM_007294.4 (MANE Select); coding-DNA position 5193, G replaced by C.
Protein change: p.Glu1731Asp; replaces glutamic acid 1731 with aspartic acid.
Molecular consequence: missense variant. On other transcripts: non-coding transcript variant (1).
Genome position (GRCh38, 1-based): chr17:43,063,333, C>G on the plus strand (G>C on the coding strand, the complement: BRCA1 is on the minus strand). VCF-style: chr17-43063333-C-G. GRCh37 (hg19) VCF-style: chr17-41215350-C-G.
Other names: c.4980G>C, p.Glu1660Asp (NM_001407571.1, NM_001407900.1, NM_001407902.1 and 12 more transcripts); c.5259G>C, p.Glu1753Asp (NM_001407581.1, NM_001407582.1); c.5256G>C, p.Glu1752Asp (NM_001407583.1, NM_001407585.1, NM_001407587.1 and 1 more transcripts); c.5190G>C, p.Glu1730Asp (NM_001407610.1, NM_001407611.1, NM_001407612.1 and 17 more transcripts); c.5187G>C, p.Glu1729Asp (NM_001407629.1, NM_001407630.1, NM_001407631.1 and 14 more transcripts); c.5133G>C, p.Glu1711Asp (NM_001407649.1); c.5115G>C, p.Glu1705Asp (NM_001407652.1, NM_001407653.1, NM_001407654.1 and 1 more transcripts); c.5112G>C, p.Glu1704Asp (NM_001407656.1, NM_001407657.1, NM_001407658.1); and 72 more; short protein forms E1684D, E627D, E1752D, E1731D, E1620D, E1661D, E1682D, E1689D.
Identifiers: ClinVar variation 867788 (VCV000867788.3), dbSNP rs876660702, ClinGen allele CA10591155.

Conditions:
Breast-ovarian cancer, familial, susceptibility to, 1 (BROVCA1). Also called: BRCA1 Hereditary Breast and Ovarian Cancer; OVARIAN CANCER, SUSCEPTIBILITY TO. Identifiers: Orphanet 145, MedGen C2676676, MONDO:0011450, OMIM 604370. Disease mechanism: loss of function.

Submission:

Brotman Baty Institute, University of Washington
No classification provided (evidence only). Condition: Breast-ovarian cancer, familial 1. Review status: no classification provided. Collection method: in vitro. Allele origin: not applicable. Functional consequence: functionally_normal.
ClinVar note: "not provided" was previously submitted as the classification for the variant. However, the classification appeared to be based only on an observation of functional data so it was converted to no classification on 2025-07-30.